The following is an entry in ClinVar:

ClinVar aggregate classification (germline): Benign/Likely benign. Review status: criteria provided, multiple submitters, no conflicts (2 of 4 stars). 2 submissions from 2 submitters: Benign (1); Likely benign (1). Last evaluated 2025-04-10.

Allele frequency attached by ClinVar (database versions not stated): ESP Exome Variant Server 0.00008; ExAC 0.00009; gnomAD 0.00011 and 0.00013; TOPMed 0.00012.
gnomAD v4.1: 72 of 1,612,532 alleles (0.0045%); highest among the groups gnomAD compares: African/African-American, 0.025%; no homozygotes.

Submissions (2):

Athena Diagnostics
Classification: Benign. Last evaluated: 2025-04-10. Review status: criteria provided, single submitter. Criteria: Athena Diagnostics Criteria. Collection method: clinical testing. Allele origin: unknown.
Comment: The frequency of this variant in the general population is higher than would generally be expected for pathogenic variants in this gene. Computational tools yielded predictions that this variant is unlikely to have an effect on normal RNA splicing. This nucleotide position exhibits low evolutionary conservation.

Labcorp Genetics (formerly Invitae), Labcorp
Classification: Likely benign. Last evaluated: 2025-03-26. Review status: criteria provided, single submitter. Criteria: Invitae Variant Classification Sherloc (09022015). Collection method: clinical testing. Allele origin: germline.

NM_000142.5(FGFR3):c.117G>A (p.Pro39=)

Gene: FGFR3 (fibroblast growth factor receptor 3; plus strand). Cytogenetic location: 4p16.3.
Variant type: single nucleotide variant.
Coding change: c.117G>A on transcript NM_000142.5 (MANE Select); coding-DNA position 117, G replaced by A.
Protein change: p.Pro39=; no amino-acid change (proline 39 retained).
Molecular consequence: synonymous variant. On other transcripts: non-coding transcript variant (1).
Genome position (GRCh38, 1-based): chr4:1,799,261, G>A. VCF-style: chr4-1799261-G-A. GRCh37 (hg19) VCF-style: chr4-1800988-G-A.
Other names: c.117G>A, p.Pro39= (NM_001163213.2, NM_001354809.2, NM_001354810.2 and 1 more transcripts); c.117G>A (NM_000142.4).
Identifiers: ClinVar variation 1679985 (VCV001679985.9), dbSNP rs376223299, ClinGen allele CA2809718.